The following is an entry in ClinVar:

NM_032634.4(PIGO):c.687T>C (p.Ala229=)

Gene: PIGO (phosphatidylinositol glycan anchor biosynthesis class O; minus strand). Cytogenetic location: 9p13.3.
Variant type: single nucleotide variant.
Coding change: c.687T>C on transcript NM_032634.4 (MANE Select); coding-DNA position 687, T replaced by C.
Protein change: p.Ala229=; no amino-acid change (alanine 229 retained).
Molecular consequence: synonymous variant.
Genome position (GRCh38, 1-based): chr9:35,093,993, A>G on the plus strand (T>C on the coding strand, the complement: PIGO is on the minus strand). VCF-style: chr9-35093993-A-G. GRCh37 (hg19) VCF-style: chr9-35093990-A-G.
Other names: c.687T>C, p.Ala229= (NM_001201484.2, NM_152850.4).
Identifiers: ClinVar variation 1112192 (VCV001112192.32), dbSNP rs375778167, ClinGen allele CA5040863.

ClinVar aggregate classification (germline): Likely benign. Review status: criteria provided, multiple submitters, no conflicts (2 of 4 stars). 2 submissions from 2 submitters: Likely benign (2). Last evaluated 2024-04-19.

Conditions:
Hyperphosphatasia with impaired intellectual development syndrome 2. Also called: Hyperphosphatasia with intellectual disability syndrome 2; GLYCOSYLPHOSPHATIDYLINOSITOL BIOSYNTHESIS DEFECT 6. Identifiers: Orphanet 247262, MedGen C3553637, MONDO:0013882, OMIM 614749.

Allele frequency attached by ClinVar (database versions not stated): ESP Exome Variant Server 0.00008; ExAC 0.00002; gnomAD exomes below 0.00001.

Submissions (2):

Labcorp Genetics (formerly Invitae), Labcorp
Classification: Likely benign for Hyperphosphatasia with impaired intellectual development syndrome 2. Last evaluated: 2024-04-19. Review status: criteria provided, single submitter. Criteria: Invitae Variant Classification Sherloc (09022015). Collection method: clinical testing. Allele origin: germline.

CeGaT Center for Human Genetics Tuebingen
Classification: Likely benign. Last evaluated: 2022-03-01. Review status: criteria provided, single submitter. Criteria: CeGaT Center For Human Genetics Tuebingen Variant Classification Criteria Version 2. Collection method: clinical testing. Allele origin: germline. Affected: yes. Observed: 1 variant allele.
Comment: PIGO: PM2:Supporting, BP4, BP7